The following is an entry in ClinVar:

ClinVar aggregate classification (germline): Uncertain significance (1 of 4 stars; one submission).

Conditions:
ABCB11-related disorder. Also called: ABCB11-related condition.

gnomAD v4.1: 2 of 1,613,918 alleles (0.00012%); highest among the groups gnomAD compares: African/African-American, 0.0027%; no homozygotes.

Submission:

PreventionGenetics, part of Exact Sciences
Classification: Uncertain significance for ABCB11-related condition. Last evaluated: 2025-01-07. Review status: criteria provided, single submitter. Criteria: ACMG Guidelines, 2015. Collection method: clinical testing. Allele origin: germline.
Comment: The ABCB11 c.2867A>G variant is predicted to result in the amino acid substitution p.Glu956Gly. To our knowledge, this variant has not been reported in the literature. This variant is reported in 0.011% of alleles in individuals of African descent in gnomAD. At this time, the clinical significance of this variant is uncertain due to the absence of conclusive functional and genetic evidence.

NM_003742.4(ABCB11):c.2867A>G (p.Glu956Gly)

Genes: ABCB11 (ATP binding cassette subfamily B member 11; minus strand), LOC126806400 (CDK7 strongly-dependent group 2 enhancer GRCh37_chr2:169791870-169793069; plus strand). Cytogenetic location: 2q31.1.
Variant type: single nucleotide variant.
Coding change: c.2867A>G on transcript NM_003742.4 (MANE Select); coding-DNA position 2867, A replaced by G.
Protein change: p.Glu956Gly; replaces glutamic acid 956 with glycine.
Molecular consequence: missense variant.
Genome position (GRCh38, 1-based): chr2:168,935,373, T>C on the plus strand (A>G on the coding strand, the complement: ABCB11 is on the minus strand). VCF-style: chr2-168935373-T-C. GRCh37 (hg19) VCF-style: chr2-169791883-T-C.
Other names: short protein forms E956G.
Identifiers: ClinVar variation 4979140 (VCV004979140.1).